The following is an entry in ClinVar:

NM_031307.4(PUS3):c.945T>C (p.Ser315=)

Genes: HYLS1 (HYLS1 centriolar and ciliogenesis associated; plus strand), PUS3 (pseudouridine synthase 3; minus strand). Cytogenetic location: 11q24.2.
Variant type: single nucleotide variant.
Coding change: c.945T>C on transcript NM_031307.4 (MANE Select); coding-DNA position 945, T replaced by C.
Protein change: p.Ser315=; no amino-acid change (serine 315 retained).
Molecular consequence: synonymous variant. On other transcripts: intron variant (5).
Genome position (GRCh38, 1-based): chr11:125,894,286, A>G on the plus strand (T>C on the coding strand, the complement: PUS3 is on the minus strand). VCF-style: chr11-125894286-A-G. GRCh37 (hg19) VCF-style: chr11-125764181-A-G.
Other names: c.321T>C, p.Ser107= (NM_001271985.2); c.-81+2814A>G (NM_145014.3); c.-26+2814A>G (NM_001134793.2); c.-23+2814A>G (NM_001424364.1); c.-25-5058A>G (NM_001377269.1); c.-22-5061A>G (NM_001377270.1).
Identifiers: ClinVar variation 2521731 (VCV002521731.4), dbSNP rs751006630, ClinGen allele CA6350410.
Genomic context (GRCh38, chr11:125,894,286, plus strand): 5'-GATCCACTTGACATTTTCAAACTTACAGTCATATAAGACTAGAGGAAATTCTACAGCCAT[A>G]CTAGAGAAAAAGAGAAAAGAAAGTTTGAGAATACATAACATCCATCTAACAGTTCTTTAA-3'
Protein context (NP_112597.4, residues 305-325): IEKNPQKPQY[Ser315=]MAVEFPLVLY

ClinVar aggregate classification (germline): Likely benign. Review status: criteria provided, single submitter (1 of 4 stars). 2 submissions from 2 submitters: Likely benign (1). 1 of the submissions does not count toward it. Last evaluated 2023-06-07.

Conditions:
Inborn genetic diseases. Identifiers: MedGen C0950123, MeSH D030342.
PUS3-related disorder. Also called: PUS3-related condition.

Allele frequency attached by ClinVar (database versions not stated): gnomAD exomes 0.00001; gnomAD 0.00002; TOPMed 0.00002; ExAC 0.00003.
gnomAD v4.1: 18 of 1,589,764 alleles (0.0011%); highest among the groups gnomAD compares: East Asian, 0.036%; no homozygotes.

Submissions (2):

Ambry Genetics
Classification: Likely benign for Inborn genetic diseases. Last evaluated: 2023-06-07. Review status: criteria provided, single submitter. Criteria: Ambry Variant Classification Scheme 2023. Collection method: clinical testing. Allele origin: germline.

PreventionGenetics, part of Exact Sciences
Classification: Likely benign for PUS3-related condition. Last evaluated: 2019-04-16. Review status: no assertion criteria provided. Collection method: clinical testing. Allele origin: germline. Not counted in ClinVar's aggregate classification.
Comment: This variant is classified as likely benign based on ACMG/AMP sequence variant interpretation guidelines (Richards et al. 2015 PMID: 25741868, with internal and published modifications).